The following is an entry in ClinVar:

ClinVar aggregate classification (germline): Likely benign (1 of 4 stars; one submission).

Conditions:
Familial cancer of breast. Also called: Hereditary breast cancer; hereditary breast carcinoma; BREAST CANCER, FAMILIAL. Identifiers: Orphanet 227535, MedGen C0346153, MONDO:0016419, OMIM 114480. Disease mechanism: loss of function.

gnomAD v4.1: 1 of 1,610,092 alleles (0.000062%); no homozygotes.

Submission:

Myriad Genetics, Inc.
Classification: Likely benign for Familial cancer of breast. Last evaluated: 2025-01-09. Review status: criteria provided, single submitter. Criteria: Myriad Autosomal Dominant, Autosomal Recessive and X-Linked Classification Criteria (2023). Collection method: clinical testing. Allele origin: unknown.
Comment: This variant is considered likely benign. This variant is intronic and is not expected to impact mRNA splicing.

NM_024675.4(PALB2):c.109-11G>A

Gene: PALB2 (partner and localizer of BRCA2; minus strand). Cytogenetic location: 16p12.2.
Variant type: single nucleotide variant.
Coding change: c.109-11G>A on transcript NM_024675.4 (MANE Select); 11 bases into the intron before coding-DNA position 109, G replaced by A.
Molecular consequence: intron variant.
Genome position (GRCh38, 1-based): chr16:23,637,963, C>T on the plus strand (G>A on the coding strand, the complement: PALB2 is on the minus strand). VCF-style: chr16-23637963-C-T. GRCh37 (hg19) VCF-style: chr16-23649284-C-T.
Other names: c.-777-11G>A (NM_001407308.1, NM_001407306.1, NM_001407307.1 and 5 more transcripts); c.48+3147G>A (NM_001407314.1); c.-105+3147G>A (NM_001407313.1, NM_001407312.1); c.49-11G>A (NM_001407296.1); c.109-11G>A (NM_001407297.1, NM_001407302.1, NM_001407298.1 and 3 more transcripts).
Identifiers: ClinVar variation 3904067 (VCV003904067.1).